The following is an entry in ClinVar:

ClinVar aggregate classification (germline): Uncertain significance. Review status: criteria provided, multiple submitters, no conflicts (2 of 4 stars). 2 submissions from 2 submitters: Uncertain significance (2). Last evaluated 2023-03-17.

Conditions:
Cardiovascular phenotype. Identifiers: MedGen CN230736.
Alstrom syndrome (ALMS). Identifiers: Orphanet 64, MedGen C0268425, MONDO:0008763, OMIM 203800.

Allele frequency attached by ClinVar (database versions not stated): ExAC 0.00002; TOPMed 0.00002; gnomAD 0.00004.
gnomAD v4.1: 7 of 1,614,092 alleles (0.00043%); highest among the groups gnomAD compares: African/African-American, 0.0093%; no homozygotes.

Submissions (2):

Ambry Genetics
Classification: Uncertain significance for Cardiovascular phenotype. Last evaluated: 2023-03-17. Review status: criteria provided, single submitter. Criteria: Ambry Variant Classification Scheme 2023. Collection method: clinical testing. Allele origin: germline.
Comment: The p.L3115F variant (also known as c.9345A>C), located in coding exon 10 of the ALMS1 gene, results from an A to C substitution at nucleotide position 9345. The leucine at codon 3115 is replaced by phenylalanine, an amino acid with highly similar properties. This amino acid position is well conserved in available vertebrate species. In addition, this alteration is predicted to be tolerated by in silico analysis. Since supporting evidence is limited at this time, the clinical significance of this alteration remains unclear.

Labcorp Genetics (formerly Invitae), Labcorp
Classification: Uncertain significance for Alstrom syndrome. Last evaluated: 2022-08-22. Review status: criteria provided, single submitter. Criteria: Invitae Variant Classification Sherloc (09022015). Collection method: clinical testing. Allele origin: germline.
Comment: This sequence change replaces leucine, which is neutral and non-polar, with phenylalanine, which is neutral and non-polar, at codon 3115 of the ALMS1 protein (p.Leu3115Phe). This variant is present in population databases (rs759935236, gnomAD 0.02%). This variant has not been reported in the literature in individuals affected with ALMS1-related conditions. ClinVar contains an entry for this variant (Variation ID: 1406526). Experimental studies and prediction algorithms are not available or were not evaluated, and the functional significance of this variant is currently unknown. In summary, the available evidence is currently insufficient to determine the role of this variant in disease. Therefore, it has been classified as a Variant of Uncertain Significance.

NM_001378454.1(ALMS1):c.9342A>C (p.Leu3114Phe)

Gene: ALMS1 (ALMS1 centrosome and basal body associated protein; plus strand). Cytogenetic location: 2p13.1.
Variant type: single nucleotide variant.
Coding change: c.9342A>C on transcript NM_001378454.1 (MANE Select); coding-DNA position 9342, A replaced by C.
Protein change: p.Leu3114Phe; replaces leucine 3114 with phenylalanine.
Molecular consequence: missense variant.
Genome position (GRCh38, 1-based): chr2:73,491,301, A>C. VCF-style: chr2-73491301-A-C. GRCh37 (hg19) VCF-style: chr2-73718428-A-C.
Other names: c.9345A>C, p.Leu3115Phe (NM_015120.4); short protein forms L3114F, L3115F.
Identifiers: ClinVar variation 1406526 (VCV001406526.4), dbSNP rs759935236, ClinGen allele CA1714638.